The following is an entry in ClinVar:

NM_006939.4(SOS2):c.2014C>A (p.Leu672Ile)

Gene: SOS2 (SOS Ras/Rho guanine nucleotide exchange factor 2; minus strand). Cytogenetic location: 14q21.3.
Variant type: single nucleotide variant.
Coding change: c.2014C>A on transcript NM_006939.4 (MANE Select); coding-DNA position 2014, C replaced by A.
Protein change: p.Leu672Ile; replaces leucine 672 with isoleucine.
Molecular consequence: missense variant.
Genome position (GRCh38, 1-based): chr14:50,157,042, G>T on the plus strand (C>A on the coding strand, the complement: SOS2 is on the minus strand). VCF-style: chr14-50157042-G-T. GRCh37 (hg19) VCF-style: chr14-50623760-G-T.
Other names: p.Leu672Ile; short protein forms L672I.
Identifiers: ClinVar variation 445827 (VCV000445827.27), dbSNP rs34139502, ClinGen allele CA7177182.

ClinVar aggregate classification (germline): Benign/Likely benign. Review status: criteria provided, multiple submitters, no conflicts (2 of 4 stars). 9 submissions from 9 submitters: Benign (5); Likely benign (4). Last evaluated 2026-02-03.

Conditions:
Noonan syndrome 9 (NS9). Identifiers: Orphanet 648, MedGen C4225282, MONDO:0014691, OMIM 616559.
Cardiovascular phenotype. Identifiers: MedGen CN230736.

Allele frequency attached by ClinVar (database versions not stated): 1000 Genomes Project 30x 0.00703; gnomAD exomes 0.00133; ExAC 0.00199; gnomAD 0.00524 and 0.00561; TOPMed 0.00583; ESP Exome Variant Server 0.00638; 1000 Genomes Project 0.00699.
gnomAD v4.1: 1,544 of 1,611,986 alleles (0.096%); highest among the groups gnomAD compares: African/African-American, 1.7%; 12 homozygotes.

Submissions (9):

Labcorp Genetics (formerly Invitae), Labcorp
Classification: Benign for Noonan syndrome 9. Last evaluated: 2026-02-03. Review status: criteria provided, single submitter. Criteria: Invitae Variant Classification Sherloc (09022015). Collection method: clinical testing. Allele origin: germline.

ARUP Laboratories, Molecular Genetics and Genomics, ARUP Laboratories
Classification: Likely benign for Noonan syndrome 9. Last evaluated: 2023-11-29. Review status: criteria provided, single submitter. Criteria: ARUP Molecular Germline Variant Investigation Process 2024. Collection method: clinical testing. Allele origin: germline.

Mayo Clinic Laboratories, Mayo Clinic
Classification: Benign. Last evaluated: 2023-11-24. Review status: criteria provided, single submitter. Criteria: ACMG Guidelines, 2015. Collection method: clinical testing. Allele origin: germline. Observed: 4 variant alleles.
Comment: BS1, BS2, BP4

Ambry Genetics
Classification: Likely benign for Cardiovascular phenotype. Last evaluated: 2022-12-29. Review status: criteria provided, single submitter. Criteria: Ambry Variant Classification Scheme 2023. Collection method: clinical testing. Allele origin: germline.

Center for Pediatric Genomic Medicine, Children's Mercy Hospital and Clinics
Classification: Likely benign. Last evaluated: 2017-06-20. Review status: criteria provided, single submitter. Criteria: ACMG Guidelines, 2015. Collection method: clinical testing. Allele origin: germline.

GeneDx
Classification: Benign. Last evaluated: 2017-06-15. Review status: criteria provided, single submitter. Criteria: GeneDx Variant Classification (06012015). Collection method: clinical testing. Allele origin: germline. Affected: yes.
Comment: This variant is considered likely benign or benign based on one or more of the following criteria: it is a conservative change, it occurs at a poorly conserved position in the protein, it is predicted to be benign by multiple in silico algorithms, and/or has population frequency not consistent with disease.

Women's Health and Genetics/Laboratory Corporation of America, LabCorp
Classification: Benign. Last evaluated: 2017-04-12. Review status: criteria provided, single submitter. Criteria: LabCorp Variant Classification Summary - May 2015. Collection method: clinical testing. Allele origin: germline.
Comment: Variant summary: The SOS2 c.2014C>A (p.Leu672Ile) variant involves the alteration of a conserved nucleotide, resulting in a missense substitution. The variant lies within the Ras guanine nucleotide exchange factor domain and Ras-like guanine nucleotide exchange factor domain, N-terminal (InterPro). 4/5 in silico tools predict a benign outcome for this variant. This variant was found in the large control database ExAC at a frequency of 0.0019927 (208/104380 control chromosomes [3 homozygotes] in all populations), but was primarily observed in the African subpopulation at a frequency of 0.020296 (189/9312 controls chromosomes [3 homozygotes]). This frequency is about 8118 times the estimated maximal expected allele frequency of a pathogenic SOS2 variant (0.0000025), which provides strong evidence that this is likely a benign polymorphism found primarily in populations of African origin. The variant of interest has not, to our knowledge, been reported in affected individuals via publications and/or reputable databases/clinical diagnostic laboratories, nor has it been evaluated for functional impact by in vivo/vitro studies. Taken together, this variant is classified as benign.

Breakthrough Genomics
Classification: Likely benign. Review status: criteria provided, single submitter. Criteria: ACMG Guidelines, 2015. Collection method: not provided. Allele origin: germline. Inheritance: Autosomal dominant inheritance. Affected: yes.

Genome-Nilou Lab
Classification: Benign for Noonan syndrome 9. Review status: criteria provided, single submitter. Criteria: ACMG Guidelines, 2015. Collection method: clinical testing. Allele origin: germline.